The following is an entry in ClinVar:

NM_181672.3(OGT):c.3G>A (p.Met1Ile)

Genes: OGT (O-linked N-acetylglucosamine (GlcNAc) transferase; plus strand), LOC126863277 (MED14-independent group 3 enhancer GRCh37_chrX:70752005-70753204; plus strand). Cytogenetic location: Xq13.1.
Variant type: single nucleotide variant.
Coding change: c.3G>A on transcript NM_181672.3 (MANE Select); coding-DNA position 3, G replaced by A.
Protein change: p.Met1Ile; changes the start codon (methionine 1).
Molecular consequence: missense variant, initiator codon variant.
Genome position (GRCh38, 1-based): chrX:71,533,302, G>A. VCF-style: chrX-71533302-G-A. GRCh37 (hg19) VCF-style: chrX-70753152-G-A.
Other names: c.3G>A, p.Met1Ile (NM_181673.3); short protein forms M1I.
Identifiers: ClinVar variation 1301234 (VCV001301234.3), dbSNP rs2147664566, ClinGen allele CA413532705.
Genomic context (GRCh38, chrX:71,533,302, plus strand): 5'-GGTAGTGGCGGCAGCAGGACCAATTACCTCTTTTTTGCTCTCCCTCGAGAAGCTCCAGAT[G>A]GCGTCTTCCGTGGGCAACGTGGCCGACAGCACAGGTACCGGTGTCCCGTTCTACCTTGGC-3'
Protein context (NP_858058.1, residues 1-11): [Met1Ile]ASSVGNVADS

ClinVar aggregate classification (germline): Uncertain significance (1 of 4 stars; one submission).

Submission:

GeneDx
Classification: Uncertain significance. Last evaluated: 2020-10-12. Review status: criteria provided, single submitter. Criteria: GeneDx Variant Classification Process June 2021. Collection method: clinical testing. Allele origin: germline. Affected: yes.
Comment: Initiation codon variant in a gene for which loss-of-function is not a known mechanism of disease; Not observed in large population cohorts (Lek et al., 2016); Has not been previously published as pathogenic or benign to our knowledge